The following is an entry in ClinVar:

NM_000169.3(GLA):c.400T>C (p.Tyr134His)

Genes: GLA (galactosidase alpha; minus strand), RPL36A-HNRNPH2 (RPL36A-HNRNPH2 readthrough; plus strand). Cytogenetic location: Xq22.1.
Variant type: single nucleotide variant.
Coding change: c.400T>C on transcript NM_000169.3 (MANE Select); coding-DNA position 400, T replaced by C.
Protein change: p.Tyr134His; replaces tyrosine 134 with histidine.
Molecular consequence: missense variant. On other transcripts: non-coding transcript variant (3), intron variant (2).
Genome position (GRCh38, 1-based): chrX:101,401,779, A>G on the plus strand (T>C on the coding strand, the complement: GLA is on the minus strand). VCF-style: chrX-101401779-A-G. GRCh37 (hg19) VCF-style: chrX-100656767-A-G.
Other names: c.523T>C, p.Tyr175His (NM_001406747.1, NM_001406749.1); c.400T>C, p.Tyr134His (NM_001406748.1); c.300+6322A>G (NM_001199973.2); c.177+9957A>G (NM_001199974.2); short protein forms Y134H, Y175H.
Identifiers: ClinVar variation 3704503 (VCV003704503.4).

ClinVar aggregate classification (germline): Pathogenic/Likely pathogenic. Review status: criteria provided, multiple submitters, no conflicts (2 of 4 stars). 2 submissions from 2 submitters: Pathogenic (1); Likely pathogenic (1). Last evaluated 2026-09-08.

Conditions:
Fabry disease. Also called: ALPHA-GALACTOSIDASE A DEFICIENCY; Fabry's disease; Ceramide trihexosidosis; Angiokeratoma corporis diffusum; ANDERSON-FABRY DISEASE; CERAMIDE TRIHEXOSIDASE DEFICIENCY. Identifiers: Orphanet 324, MedGen C0002986, MONDO:0010526, OMIM 301500, HP:0001071. Disease mechanism: loss of function, Fabry disease is due to inactivating mutations in the X-linked GLA gene resulting in deficiency of the enzyme Alpha Galactosidase-A..

Submissions (2):

Genomenon, Inc
Classification: Pathogenic for Fabry disease. Last evaluated: 2026-09-08. Review status: criteria provided, single submitter. Criteria: Genomenon Sequence Variant Interpretation Standards - Updated. Collection method: curation. Allele origin: germline. Affected: yes.
Comment: GLA p.Tyr134His (c.400T>C) is a missense variant that changes the amino acid at codon 134 from Tyrosine to Histidine. This variant has been observed in at least one proband with clinical features consistent with Fabry disease (PMID:39260623;29476735). The variant was found to segregate with disease in at least one affected family (PMID:29476735). At least one functional study has demonstrated a substantial alteration in protein function relative to the wild-type (PMID:29476735;27657681). This variant is located in a mutational hotspot and/or important functional domain. It is absent or not present at a significant frequency in gnomAD. In silico models predict that this variant is possibly or probably damaging. In conclusion, we classify GLA p.Tyr134His (c.400T>C) as a pathogenic variant.

Labcorp Genetics (formerly Invitae), Labcorp
Classification: Likely pathogenic for Fabry disease. Last evaluated: 2024-06-13. Review status: criteria provided, single submitter. Criteria: Invitae Variant Classification Sherloc (09022015). Collection method: clinical testing. Allele origin: germline.
Comment: This sequence change replaces tyrosine, which is neutral and polar, with histidine, which is basic and polar, at codon 134 of the GLA protein (p.Tyr134His). This variant is not present in population databases (gnomAD no frequency). This missense change has been observed in individual(s) with Fabry disease (PMID: 29476735). Advanced modeling of protein sequence and biophysical properties (such as structural, functional, and spatial information, amino acid conservation, physicochemical variation, residue mobility, and thermodynamic stability) performed at Invitae indicates that this missense variant is expected to disrupt GLA protein function with a positive predictive value of 80%. Experimental studies have shown that this missense change affects GLA function (PMID: 29476735). This variant disrupts the p.Tyr134 amino acid residue in GLA. Other variant(s) that disrupt this residue have been observed in individuals with GLA-related conditions (PMID: 9100224, 29476735, 30677769), which suggests that this may be a clinically significant amino acid residue. In summary, the currently available evidence indicates that the variant is pathogenic, but additional data are needed to prove that conclusively. Therefore, this variant has been classified as Likely Pathogenic.

Literature cited by the submitters: PubMed 39260623 (cited by Genomenon, Inc); PubMed 29476735 (cited by Genomenon, Inc and Labcorp Genetics (formerly Invitae), Labcorp); PubMed 27657681 (cited by Genomenon, Inc); PubMed 9100224 (cited by Labcorp Genetics (formerly Invitae), Labcorp); PubMed 30677769 (cited by Labcorp Genetics (formerly Invitae), Labcorp).